The following is an entry in ClinVar:

ClinVar aggregate classification (germline): Conflicting classifications of pathogenicity. Review status: criteria provided, conflicting classifications (1 of 4 stars). 4 submissions from 4 submitters: Uncertain significance (1); Likely benign (3). Last evaluated 2026-01-30.

Conditions:
DNM1L-related disorder. Also called: DNM1L-related condition.

Allele frequency attached by ClinVar (database versions not stated): gnomAD exomes 0.00001 and 0.00003; ExAC 0.00002; ESP Exome Variant Server 0.00015; gnomAD 0.00015 and 0.00016; 1000 Genomes Project 30x 0.00016; TOPMed 0.00019; 1000 Genomes Project 0.00020.
gnomAD v4.1: 43 of 1,614,118 alleles (0.0027%); highest among the groups gnomAD compares: African/African-American, 0.053%; no homozygotes.

Submissions (4):

PreventionGenetics, part of Exact Sciences
Classification: Likely benign for DNM1L-related condition. Last evaluated: 2026-01-30. Review status: criteria provided, single submitter. Criteria: ACMG Guidelines, 2015. Collection method: clinical testing. Allele origin: germline.
Comment: This variant is classified as likely benign based on ACMG/AMP sequence variant interpretation guidelines (Richards et al. 2015 PMID: 25741868, with internal and published modifications).

Labcorp Genetics (formerly Invitae), Labcorp
Classification: Likely benign. Last evaluated: 2025-12-16. Review status: criteria provided, single submitter. Criteria: Invitae Variant Classification Sherloc (09022015). Collection method: clinical testing. Allele origin: germline.

CeGaT Center for Human Genetics Tuebingen
Classification: Likely benign. Last evaluated: 2022-07-01. Review status: criteria provided, single submitter. Criteria: CeGaT Center For Human Genetics Tuebingen Variant Classification Criteria Version 2. Collection method: clinical testing. Allele origin: germline. Affected: yes. Observed: 1 variant allele.
Comment: DNM1L: BP4, BP7

Laboratorio de Genetica e Diagnostico Molecular, Hospital Israelita Albert Einstein
Classification: Uncertain significance. Last evaluated: 2020-02-10. Review status: criteria provided, single submitter. Criteria: ACMG Guidelines, 2015. Collection method: clinical testing. Allele origin: germline. Affected: yes.
Comment: ACMG classification criteria: PM2

NM_012062.5(DNM1L):c.2151A>G (p.Leu717=)

Gene: DNM1L (dynamin 1L; plus strand). Cytogenetic location: 12p11.21.
Variant type: single nucleotide variant.
Coding change: c.2151A>G on transcript NM_012062.5 (MANE Select); coding-DNA position 2151, A replaced by G.
Protein change: p.Leu717=; no amino-acid change (leucine 717 retained).
Molecular consequence: synonymous variant.
Genome position (GRCh38, 1-based): chr12:32,742,745, A>G. VCF-style: chr12-32742745-A-G. GRCh37 (hg19) VCF-style: chr12-32895679-A-G.
Other names: c.2118A>G, p.Leu706= (NM_001278463.2); c.2151A>G (NM_012062.4); c.2190A>G, p.Leu730= (NM_001278464.2); c.2157A>G, p.Leu719= (NM_001278465.2); c.1542A>G, p.Leu514= (NM_001278466.2); c.2079A>G, p.Leu693= (NM_001330380.2); c.2040A>G, p.Leu680= (NM_005690.5); c.2073A>G, p.Leu691= (NM_012063.4).
Identifiers: ClinVar variation 1590643 (VCV001590643.36), dbSNP rs149256584, ClinGen allele CA6507773.